The following is an entry in ClinVar:

ClinVar aggregate classification (germline): Uncertain significance. Review status: criteria provided, multiple submitters, no conflicts (2 of 4 stars). 4 submissions from 4 submitters: Uncertain significance (4). Last evaluated 2025-06-27.

Conditions:
LAMA2-related muscular dystrophy (LAMA2-RD). Also called: Laminin alpha 2-related dystrophy. Identifiers: MedGen C5679788, MONDO:0100228.

Allele frequency attached by ClinVar (database versions not stated): gnomAD exomes 0.00001 and 0.00002; ExAC 0.00002; TOPMed 0.00002; gnomAD 0.00004; 1000 Genomes Project 30x 0.00016; 1000 Genomes Project 0.00020.
gnomAD v4.1: 17 of 1,559,816 alleles (0.0011%); highest among the groups gnomAD compares: African/African-American, 0.018%; no homozygotes.

Submissions (4):

Mayo Clinic Laboratories, Mayo Clinic
Classification: Uncertain significance. Last evaluated: 2025-06-27. Review status: criteria provided, single submitter. Criteria: ACMG Guidelines, 2015. Collection method: clinical testing. Allele origin: germline. Observed: 1 variant allele.
Comment: PP3, PM2_supporting

Labcorp Genetics (formerly Invitae), Labcorp
Classification: Uncertain significance for LAMA2-related muscular dystrophy. Last evaluated: 2024-11-17. Review status: criteria provided, single submitter. Criteria: Invitae Variant Classification Sherloc (09022015). Collection method: clinical testing. Allele origin: germline.
Comment: This sequence change falls in intron 2 of the LAMA2 gene. It does not directly change the encoded amino acid sequence of the LAMA2 protein. This variant is present in population databases (rs185151902, gnomAD 0.01%). This variant has not been reported in the literature in individuals affected with LAMA2-related conditions. ClinVar contains an entry for this variant (Variation ID: 196270). Algorithms developed to predict the effect of sequence changes on RNA splicing suggest that this variant may disrupt the consensus splice site. In summary, the available evidence is currently insufficient to determine the role of this variant in disease. Therefore, it has been classified as a Variant of Uncertain Significance.

Eurofins Ntd Llc (ga)
Classification: Uncertain significance. Last evaluated: 2016-08-25. Review status: criteria provided, single submitter. Criteria: EGL Classification Definitions 2015. Collection method: clinical testing. Allele origin: germline. Observed: 2 variant alleles, 2 heterozygotes.

Breakthrough Genomics
Classification: Uncertain significance. Review status: criteria provided, single submitter. Criteria: ACMG Guidelines, 2015. Collection method: not provided. Allele origin: germline. Inheritance: Autosomal recessive inheritance. Affected: yes.

NM_000426.4(LAMA2):c.284-4A>G

Gene: LAMA2 (laminin subunit alpha 2; plus strand). Cytogenetic location: 6q22.33.
Variant type: single nucleotide variant.
Coding change: c.284-4A>G on transcript NM_000426.4 (MANE Select); 4 bases into the intron before coding-DNA position 284, A replaced by G.
Molecular consequence: intron variant.
Genome position (GRCh38, 1-based): chr6:129,059,780, A>G. VCF-style: chr6-129059780-A-G. GRCh37 (hg19) VCF-style: chr6-129380925-A-G.
Other names: p.?; c.284-4A>G (NM_001079823.2).
Identifiers: ClinVar variation 196270 (VCV000196270.13), dbSNP rs185151902, ClinGen allele CA243166.